The following is an entry in ClinVar:

ClinVar aggregate classification (germline): Uncertain significance (1 of 4 stars; one submission).

Submission:

GeneDx
Classification: Uncertain significance. Last evaluated: 2026-03-09. Review status: criteria provided, single submitter. Criteria: GeneDx Variant Classification Process June 2021. Collection method: clinical testing. Allele origin: germline.
Comment: Not observed at significant frequency in large population cohorts (gnomAD); In silico analysis supports that this missense variant has a deleterious effect on protein structure/function; Has not been previously published as pathogenic or benign to our knowledge

NM_001256071.3(RNF213):c.12424A>C (p.Ser4142Arg)

Genes: RNF213 (ring finger protein 213; plus strand), RNF213-AS1 (RNF213 antisense RNA 1; minus strand). Cytogenetic location: 17q25.3.
Variant type: single nucleotide variant.
Coding change: c.12424A>C on transcript NM_001256071.3 (MANE Select); coding-DNA position 12424, A replaced by C.
Protein change: p.Ser4142Arg; replaces serine 4142 with arginine.
Molecular consequence: missense variant.
Genome position (GRCh38, 1-based): chr17:80,369,866, A>C. VCF-style: chr17-80369866-A-C. GRCh37 (hg19) VCF-style: chr17-78343666-A-C.
Other names: c.12571A>C, p.Ser4191Arg (NM_001410195.1, NM_020914.5); short protein forms S4142R, S4191R.
Identifiers: ClinVar variation 5008092 (VCV005008092.1).